The following is an entry in ClinVar:

NM_000535.7(PMS2):c.10G>C (p.Ala4Pro)

Gene: PMS2 (PMS1 homolog 2, mismatch repair system component; minus strand). Cytogenetic location: 7p22.1.
Variant type: single nucleotide variant.
Coding change: c.10G>C on transcript NM_000535.7 (MANE Select); coding-DNA position 10, G replaced by C.
Protein change: p.Ala4Pro; replaces alanine 4 with proline.
Molecular consequence: missense variant. On other transcripts: 5 prime UTR variant (11), non-coding transcript variant (1).
Genome position (GRCh38, 1-based): chr7:6,009,010, C>G on the plus strand (G>C on the coding strand, the complement: PMS2 is on the minus strand). VCF-style: chr7-6009010-C-G. GRCh37 (hg19) VCF-style: chr7-6048641-C-G.
Other names: c.-391G>C (NM_001322003.2, NM_001322013.2); c.-256G>C (NM_001322004.2, NM_001322010.2); c.-586G>C (NM_001322005.2); c.10G>C, p.Ala4Pro (NM_001322006.2, NM_001322014.2); c.-206G>C (NM_001322007.2); c.-66G>C (NM_001322008.2); c.-581G>C (NM_001322009.2); c.-875G>C (NM_001322011.2); and 2 more; short protein forms A4P.
Identifiers: ClinVar variation 951811 (VCV000951811.11), dbSNP rs1786257764, ClinGen allele CA366745241.

ClinVar aggregate classification (germline): Uncertain significance. Review status: criteria provided, multiple submitters, no conflicts (2 of 4 stars). 3 submissions from 3 submitters: Uncertain significance (3). Last evaluated 2025-09-16.

Conditions:
Hereditary cancer-predisposing syndrome. Also called: Tumor predisposition; Hereditary neoplastic syndrome; Neoplastic Syndromes, Hereditary; Hereditary Cancer Syndrome. Identifiers: Orphanet 140162, MedGen C0027672, MeSH D009386, MONDO:0015356.
Lynch syndrome 4 (LYNCH4). Also called: Hereditary non-polyposis colorectal cancer, type 4; Colorectal cancer, hereditary nonpolyposis, type 4. Identifiers: Orphanet 144, MedGen C1838333, MONDO:0013699, OMIM 614337. Disease mechanism: loss of function.
Hereditary nonpolyposis colorectal neoplasms. Identifiers: MedGen C0009405, MeSH D003123.

Submissions (3):

Ambry Genetics
Classification: Uncertain significance for Hereditary cancer-predisposing syndrome. Last evaluated: 2025-09-16. Review status: criteria provided, single submitter. Criteria: Ambry Variant Classification Scheme 2023. Collection method: clinical testing. Allele origin: germline.
Comment: The p.A4P variant (also known as c.10G>C), located in coding exon 1 of the PMS2 gene, results from a G to C substitution at nucleotide position 10. The alanine at codon 4 is replaced by proline, an amino acid with highly similar properties. This amino acid position is not well conserved in available vertebrate species. In addition, the in silico prediction for this alteration is inconclusive. Based on the available evidence, the clinical significance of this variant remains unclear.

Labcorp Genetics (formerly Invitae), Labcorp
Classification: Uncertain significance for Hereditary nonpolyposis colorectal neoplasms. Last evaluated: 2025-07-31. Review status: criteria provided, single submitter. Criteria: Invitae Variant Classification Sherloc (09022015). Collection method: clinical testing. Allele origin: germline.
Comment: This sequence change replaces alanine, which is neutral and non-polar, with proline, which is neutral and non-polar, at codon 4 of the PMS2 protein (p.Ala4Pro). This variant is not present in population databases (gnomAD no frequency). This variant has not been reported in the literature in individuals affected with PMS2-related conditions. ClinVar contains an entry for this variant (Variation ID: 951811). Invitae Evidence Modeling incorporating data from in vitro experimental studies (internal data) indicates that this missense variant is not expected to disrupt PMS2 function with a negative predictive value of 95%. In summary, the available evidence is currently insufficient to determine the role of this variant in disease. Therefore, it has been classified as a Variant of Uncertain Significance.

Baylor Genetics
Classification: Uncertain significance for Lynch syndrome 4. Last evaluated: 2024-03-28. Review status: criteria provided, single submitter. Criteria: ACMG Guidelines, 2015. Collection method: clinical testing. Allele origin: unknown.